The following is an entry in ClinVar:

NM_001378454.1(ALMS1):c.10576_10577del (p.Met3526fs)

Gene: ALMS1 (ALMS1 centrosome and basal body associated protein; plus strand). Cytogenetic location: 2p13.1.
Variant type: Deletion.
Coding change: c.10576_10577del on transcript NM_001378454.1 (MANE Select); coding-DNA positions 10576 to 10577, 2 bases deleted (AT; older notation c.10576_10577delAT).
Protein change: p.Met3526fs; shifts the reading frame from methionine 3526.
Molecular consequence: frameshift variant.
Genome position (GRCh38, 1-based): chr2:73,572,453-73,572,454, AT deleted. VCF-style (leftmost placement, unchanged base first): chr2-73572452-CAT-C. GRCh37 (hg19) VCF-style: chr2-73799579-CAT-C.
Other names: c.10579_10580del, p.Met3527fs (NM_015120.4); short protein forms M3527fs, M3526fs.
Identifiers: ClinVar variation 3720348 (VCV003720348.2).

ClinVar aggregate classification (germline): Pathogenic (1 of 4 stars; one submission).

Conditions:
Alstrom syndrome (ALMS). Identifiers: Orphanet 64, MedGen C0268425, MONDO:0008763, OMIM 203800.

Submission:

Labcorp Genetics (formerly Invitae), Labcorp
Classification: Pathogenic for Alstrom syndrome. Last evaluated: 2024-06-01. Review status: criteria provided, single submitter. Criteria: Invitae Variant Classification Sherloc (09022015). Collection method: clinical testing. Allele origin: germline.
Comment: This sequence change creates a premature translational stop signal (p.Met3527Valfs*13) in the ALMS1 gene. It is expected to result in an absent or disrupted protein product. Loss-of-function variants in ALMS1 are known to be pathogenic (PMID: 17594715). This variant is present in population databases (rs774323767, gnomAD 0.004%). This premature translational stop signal has been observed in individual(s) with Alstrom syndrome (PMID: 17594715). For these reasons, this variant has been classified as Pathogenic.

Literature cited by the submitters: PubMed 17594715.